The following is an entry in ClinVar:

NM_030760.5(S1PR5):c.984C>T (p.Cys328=)

Gene: S1PR5 (sphingosine-1-phosphate receptor 5; minus strand). Cytogenetic location: 19p13.2.
Variant type: single nucleotide variant.
Coding change: c.984C>T on transcript NM_030760.5 (MANE Select); coding-DNA position 984, C replaced by T.
Protein change: p.Cys328=; no amino-acid change (cysteine 328 retained).
Molecular consequence: synonymous variant.
Genome position (GRCh38, 1-based): chr19:10,514,028, G>A on the plus strand (C>T on the coding strand, the complement: S1PR5 is on the minus strand). VCF-style: chr19-10514028-G-A. GRCh37 (hg19) VCF-style: chr19-10624704-G-A.
Other names: c.984C>T, p.Cys328= (NM_001166215.2).
Identifiers: ClinVar variation 2649295 (VCV002649295.24), dbSNP rs560119222, ClinGen allele CA9195787.

ClinVar aggregate classification (germline): Likely benign (1 of 4 stars; one submission).

Allele frequency attached by ClinVar (database versions not stated): 1000 Genomes Project 30x 0.00062; 1000 Genomes Project 0.00080.
gnomAD v4.1: 111 of 1,610,500 alleles (0.0069%); highest among the groups gnomAD compares: East Asian, 0.23%; no homozygotes.

Submission:

CeGaT Center for Human Genetics Tuebingen
Classification: Likely benign. Last evaluated: 2022-05-01. Review status: criteria provided, single submitter. Criteria: CeGaT Center For Human Genetics Tuebingen Variant Classification Criteria Version 2. Collection method: clinical testing. Allele origin: germline. Affected: yes. Observed: 1 variant allele.
Comment: S1PR5: BP4, BP7